The following is an entry in ClinVar:

ClinVar aggregate classification (germline): Uncertain significance. Review status: criteria provided, multiple submitters, no conflicts (2 of 4 stars). 4 submissions from 4 submitters: Uncertain significance (4). Last evaluated 2025-11-13.

Conditions:
Inborn genetic diseases. Identifiers: MedGen C0950123, MeSH D030342.
PROM1-related disorder. Also called: PROM1-related condition; PROM1-related disorders.

Allele frequency attached by ClinVar (database versions not stated): TOPMed below 0.00001; gnomAD exomes 0.00001; ExAC 0.00002; ESP Exome Variant Server 0.00008.
gnomAD v4.1: 11 of 1,595,778 alleles (0.00069%); highest among the groups gnomAD compares: East Asian, 0.0045%; no homozygotes.

Submissions (4):

Ambry Genetics
Classification: Uncertain significance for Inborn genetic diseases. Last evaluated: 2025-11-13. Review status: criteria provided, single submitter. Criteria: Ambry Variant Classification Scheme 2023. Collection method: clinical testing. Allele origin: germline.

Labcorp Genetics (formerly Invitae), Labcorp
Classification: Uncertain significance. Last evaluated: 2025-11-10. Review status: criteria provided, single submitter. Criteria: Invitae Variant Classification Sherloc (09022015). Collection method: clinical testing. Allele origin: germline.
Comment: This sequence change replaces serine, which is neutral and polar, with leucine, which is neutral and non-polar, at codon 767 of the PROM1 protein (p.Ser767Leu). The frequency data for this variant in the population databases is considered unreliable, as metrics indicate poor data quality at this position in the gnomAD database. This variant has not been reported in the literature in individuals affected with PROM1-related conditions. ClinVar contains an entry for this variant (Variation ID: 865780). Invitae Evidence Modeling of protein sequence and biophysical properties (such as structural, functional, and spatial information, amino acid conservation, physicochemical variation, residue mobility, and thermodynamic stability) indicates that this missense variant is not expected to disrupt PROM1 protein function with a negative predictive value of 80%. Algorithms developed to predict the effect of sequence changes on RNA splicing suggest that this variant may disrupt the consensus splice site. In summary, the available evidence is currently insufficient to determine the role of this variant in disease. Therefore, it has been classified as a Variant of Uncertain Significance.

PreventionGenetics, part of Exact Sciences
Classification: Uncertain significance for PROM1-related condition. Last evaluated: 2025-05-01. Review status: criteria provided, single submitter. Criteria: ACMG Guidelines, 2015. Collection method: clinical testing. Allele origin: germline.
Comment: The PROM1 c.2300C>T variant is predicted to result in the amino acid substitution p.Ser767Leu. To our knowledge, this variant has not been reported in the literature. This variant is reported in 0.0070% of alleles in individuals of African descent in gnomAD. At this time, the clinical significance of this variant is uncertain due to the absence of conclusive functional and genetic evidence.

Blueprint Genetics
Classification: Uncertain significance. Last evaluated: 2024-11-06. Review status: criteria provided, single submitter. Criteria: ACMG Guidelines, 2015. Collection method: clinical testing. Allele origin: germline.

NM_006017.3(PROM1):c.2300C>T (p.Ser767Leu)

Gene: PROM1 (prominin 1; minus strand). Cytogenetic location: 4p15.32.
Variant type: single nucleotide variant.
Coding change: c.2300C>T on transcript NM_006017.3 (MANE Select); coding-DNA position 2300, C replaced by T.
Protein change: p.Ser767Leu; replaces serine 767 with leucine.
Molecular consequence: missense variant.
Genome position (GRCh38, 1-based): chr4:15,984,336, G>A on the plus strand (C>T on the coding strand, the complement: PROM1 is on the minus strand). VCF-style: chr4-15984336-G-A. GRCh37 (hg19) VCF-style: chr4-15985959-G-A.
Other names: c.2273C>T, p.Ser758Leu (NM_001145847.2, NM_001145848.2, NM_001145851.2 and 4 more transcripts); c.2300C>T, p.Ser767Leu (NM_001145849.2, NM_001145850.2); short protein forms S758L, S767L.
Identifiers: ClinVar variation 865780 (VCV000865780.12), dbSNP rs369831677, ClinGen allele CA2866430.
Genomic context (GRCh38, chr4:15,984,336, plus strand): 5'-ATGTAGCTACACAGAAAGACATCAACAGCAGTATCTAGAGCGGTGGCCACAGGTTTGCAC[G>A]ATGCCACTTTCTCACTGATCTAGGGGGGTGGAAACACAGGGAAACTTTGAGCTGCATCCA-3'
Protein context (NP_006008.1, residues 757-777): IEFSISEKVA[Ser767Leu]CKPVATALDT